The following is an entry in ClinVar:

ClinVar aggregate classification (germline): Benign. Review status: criteria provided, single submitter (1 of 4 stars). 2 submissions from 1 submitter: Benign (2). Last evaluated 2018-01-13.

Conditions:
Optic atrophy 3 (OPA3). Also called: OPTIC ATROPHY 3, AUTOSOMAL DOMINANT; Optic atrophy, cataract, and neurologic disorder; Optic atrophy 3 with cataract. Identifiers: Orphanet 67036, MedGen C1833809, MONDO:0008133, OMIM 165300.
3-Methylglutaconic aciduria type 3 (MGCA3). Also called: OPA3, AUTOSOMAL RECESSIVE; OPTIC ATROPHY 3, AUTOSOMAL RECESSIVE; Costeff Syndrome; OPA3-Related 3-Methylglutaconic Aciduria. Identifiers: Orphanet 67047, MedGen C0574084, MONDO:0009787, OMIM 258501.

Allele frequency attached by ClinVar (database versions not stated): gnomAD exomes 0.00154; gnomAD 0.01577 and 0.01701; 1000 Genomes Project 0.01797; TOPMed 0.01827; 1000 Genomes Project 30x 0.02092.
gnomAD v4.1: 3,663 of 946,536 alleles (0.39%); highest among the groups gnomAD compares: African/African-American, 5.7%; 82 homozygotes.

Submissions (2):

Illumina Laboratory Services, Illumina
Classification: Benign for Optic atrophy 3. Last evaluated: 2018-01-13. Review status: criteria provided, single submitter. Criteria: ICSL Variant Classification Criteria 13 December 2019. Collection method: clinical testing. Allele origin: germline.
Comment: This variant was observed in the ICSL laboratory as part of a predisposition screen in an ostensibly healthy population. It had not been previously curated by ICSL or reported in the Human Gene Mutation Database (HGMD: prior to June 1st, 2018), and was therefore a candidate for classification through an automated scoring system. Utilizing variant allele frequency, disease prevalence and penetrance estimates, and inheritance mode, an automated score was calculated to assess if this variant is too frequent to cause the disease. Based on the score and internal cut-off values, a variant classified as benign is not then subjected to further curation. The score for this variant resulted in a classification of benign for this disease.

Illumina Laboratory Services, Illumina
Classification: Benign for 3-Methylglutaconic aciduria type 3. Last evaluated: 2018-01-13. Review status: criteria provided, single submitter. Criteria: ICSL Variant Classification Criteria 13 December 2019. Collection method: clinical testing. Allele origin: germline.
Comment: the same text as in the submission from Illumina Laboratory Services, Illumina above.

NM_025136.4(OPA3):c.*3972C>T

Genes: OPA3 (outer mitochondrial membrane lipid metabolism regulator OPA3; minus strand), OPA3-RTN2 (OPA3-RTN2 readthrough; minus strand). Cytogenetic location: 19q13.32.
Variant type: single nucleotide variant.
Coding change: c.*3972C>T on transcript NM_025136.4 (MANE Select); 3972 bases downstream of the stop codon, C replaced by T.
Molecular consequence: 3 prime UTR variant. On other transcripts: intron variant (1).
Genome position (GRCh38, 1-based): chr19:45,549,542, G>A on the plus strand (C>T on the coding strand, the complement: OPA3 is on the minus strand). VCF-style: chr19-45549542-G-A. GRCh37 (hg19) VCF-style: chr19-46052800-G-A.
Other names: c.143-20086C>T (NM_001017989.3).
Identifiers: ClinVar variation 329613 (VCV000329613.5), dbSNP rs147972697, ClinGen allele CA10652119.
Genomic context (GRCh38, chr19:45,549,542, plus strand): 5'-CCTCTGTTTTTTTTTTTTGAGTTGAGTCTCACTCTGTCACCCAGGCTGGAGTGCAGTGGC[G>A]CGATCTCAGCTCACTGCAACCTCCACCTCCTGGGTTCAAGCAATTCTCGTGCCTCAGCCT-3'